The following is an entry in ClinVar:

NM_006506.5(RASA2):c.685G>A (p.Val229Ile)

Gene: RASA2 (RAS p21 protein activator 2; plus strand). Cytogenetic location: 3q23.
Variant type: single nucleotide variant.
Coding change: c.685G>A on transcript NM_006506.5 (MANE Select); coding-DNA position 685, G replaced by A.
Protein change: p.Val229Ile; replaces valine 229 with isoleucine.
Molecular consequence: missense variant.
Genome position (GRCh38, 1-based): chr3:141,558,886, G>A. VCF-style: chr3-141558886-G-A. GRCh37 (hg19) VCF-style: chr3-141277728-G-A.
Other names: c.685G>A, p.Val229Ile (NM_001303245.3, NM_001303246.3); short protein forms V229I.
Identifiers: ClinVar variation 1755831 (VCV001755831.2), dbSNP rs2478655208, ClinGen allele CA354772778.
Genomic context (GRCh38, chr3:141,558,886, plus strand): 5'-AAGCTGTAGGAAAAATGTATTTTTTTAAAAAAAATTTTTACTAAAATATTTTGTTTACAG[G>A]TAACCAGATCCAGTAGTTACACCAGAAAGTCCCAGTTCCAGGTAGAAGAGGAGGACATTG-3'
Protein context (NP_006497.2, residues 219-239): PQFNEIFYFE[Val229Ile]TRSSSYTRKS

ClinVar aggregate classification (germline): Uncertain significance (1 of 4 stars; one submission).

Allele frequency attached by ClinVar (database versions not stated): gnomAD exomes below 0.00001.

Submission:

Ambry Genetics
Classification: Uncertain significance. Last evaluated: 2021-12-24. Review status: criteria provided, single submitter. Criteria: Ambry Variant Classification Scheme 2023. Collection method: clinical testing. Allele origin: germline.
Comment: The p.V229I variant (also known as c.685G>A) is located in coding exon 8 of the RASA2 gene. The valine at codon 229 is replaced by isoleucine, an amino acid with highly similar properties. This change occurs in the first base pair of coding exon 8. This amino acid position is conserved. In addition, this alteration is predicted to be tolerated by in silico analysis. Since supporting evidence is limited at this time, the clinical significance of this alteration remains unclear.